The following is an entry in ClinVar:

NM_199420.4(POLQ):c.1249C>T (p.His417Tyr)

Gene: POLQ (DNA polymerase theta; minus strand). Cytogenetic location: 3q13.33.
Variant type: single nucleotide variant.
Coding change: c.1249C>T on transcript NM_199420.4 (MANE Select); coding-DNA position 1249, C replaced by T.
Protein change: p.His417Tyr; replaces histidine 417 with tyrosine.
Molecular consequence: missense variant.
Genome position (GRCh38, 1-based): chr3:121,522,009, G>A on the plus strand (C>T on the coding strand, the complement: POLQ is on the minus strand). VCF-style: chr3-121522009-G-A. GRCh37 (hg19) VCF-style: chr3-121240856-G-A.
Other names: short protein forms H417Y.
Identifiers: ClinVar variation 3308688 (VCV003308688.1).

ClinVar aggregate classification (germline): Uncertain significance (1 of 4 stars; one submission).

Submission:

Ambry Genetics
Classification: Uncertain significance. Last evaluated: 2024-05-18. Review status: criteria provided, single submitter. Criteria: Ambry Variant Classification Scheme 2023. Collection method: clinical testing. Allele origin: germline.
Comment: The p.H417Y variant (also known as c.1249C>T), located in coding exon 8 of the POLQ gene, results from a C to T substitution at nucleotide position 1249. The histidine at codon 417 is replaced by tyrosine, an amino acid with similar properties. This amino acid position is conserved. In addition, this alteration is predicted to be deleterious by in silico analysis. Based on the available evidence, the clinical significance of this variant remains unclear.